The following is an entry in ClinVar:

NM_001164277.2(SLC37A4):c.976dup (p.Ser326fs)

Gene: SLC37A4 (solute carrier family 37 member 4; minus strand). Cytogenetic location: 11q23.3.
Variant type: Duplication.
Coding change: c.976dup on transcript NM_001164277.2 (MANE Select); coding-DNA position 976, one base duplicated (T; older notation c.976dupT).
Protein change: p.Ser326fs; shifts the reading frame from serine 326.
Molecular consequence: frameshift variant.
Genome position (GRCh38, 1-based): chr11:119,025,975, A duplicated on the plus strand (T on the coding strand, the reverse complement: SLC37A4 is on the minus strand). VCF-style (leftmost placement, unchanged base first): chr11-119025974-G-GA. GRCh37 (hg19) VCF-style: chr11-118896684-G-GA.
Other names: c.976dupT (NM_001164277.1); c.976dup, p.Ser326fs (NM_001164278.2, NM_001164280.2, NM_001467.6); c.757dup, p.Ser253fs (NM_001164279.2); short protein forms S253fs, S326fs.
Identifiers: ClinVar variation 1451212 (VCV001451212.10), dbSNP rs2134631242, ClinGen allele CA2573146977.

ClinVar aggregate classification (germline): Pathogenic/Likely pathogenic. Review status: criteria provided, multiple submitters, no conflicts (2 of 4 stars). 3 submissions from 3 submitters: Pathogenic (1); Likely pathogenic (2). Last evaluated 2024-03-04.

Conditions:
Glucose-6-phosphate transport defect (GSD1B). Also called: Glycogen Storage Disease Type Ib; GSD Ib. Identifiers: Orphanet 364, Orphanet 79259, MedGen C0268146, MONDO:0009288, OMIM 232220.

Submissions (3):

Natera, Inc.
Classification: Likely pathogenic for Glycogen storage disease type Ib. Last evaluated: 2024-03-04. Review status: criteria provided, single submitter. Criteria: Natera Variant Classification Schema (03/2026). Collection method: clinical testing. Allele origin: germline.
Comment: The c.976dupT variant in SLC37A4 is a frameshift variant predicted to shift the reading frame beginning at codon 326 and leads to a stop codon 76 codons downstream. This variant is expected to result in nonsense mediated decay, truncation, or a dysfunctional protein product. This variant is rare in the general population with a frequency below the threshold expected for the associated phenotype(s). Given the available evidence, this variant is classified as Likely Pathogenic.

Baylor Genetics
Classification: Likely pathogenic for Glucose-6-phosphate transport defect. Last evaluated: 2023-05-04. Review status: criteria provided, single submitter. Criteria: ACMG Guidelines, 2015. Collection method: clinical testing. Allele origin: unknown.

Labcorp Genetics (formerly Invitae), Labcorp
Classification: Pathogenic for Glucose-6-phosphate transport defect. Last evaluated: 2022-07-03. Review status: criteria provided, single submitter. Criteria: Invitae Variant Classification Sherloc (09022015). Collection method: clinical testing. Allele origin: germline.
Comment: For these reasons, this variant has been classified as Pathogenic. This variant disrupts a region of the SLC37A4 protein in which other variant(s) (p.Arg415*) have been determined to be pathogenic (PMID: 10482962, 10931421, 15059622, 21575371; Invitae). This suggests that this is a clinically significant region of the protein, and that variants that disrupt it are likely to be disease-causing. ClinVar contains an entry for this variant (Variation ID: 1451212). This variant has not been reported in the literature in individuals affected with SLC37A4-related conditions. This variant is not present in population databases (gnomAD no frequency). This sequence change creates a premature translational stop signal (p.Ser326Phefs*76) in the SLC37A4 gene. While this is not anticipated to result in nonsense mediated decay, it is expected to disrupt the last 104 amino acid(s) of the SLC37A4 protein.

Literature cited by the submitters: PubMed 10482962 (cited by Labcorp Genetics (formerly Invitae), Labcorp); PubMed 10931421 (cited by Labcorp Genetics (formerly Invitae), Labcorp); PubMed 15059622 (cited by Labcorp Genetics (formerly Invitae), Labcorp); PubMed 21575371 (cited by Labcorp Genetics (formerly Invitae), Labcorp).